The following is an entry in ClinVar:

ClinVar aggregate classification (germline): conflicting data from submitters (0 of 4 stars; one submission).

Submission:

ISCA site 1
Classification: conflicting data from submitters. Last evaluated: 2012-08-14. Review status: no assertion criteria provided. Collection method: clinical testing. Allele origin: unknown, maternal. Affected: yes. Observed: 2 variant alleles.
Comment: Uncertain significance(1), Likely benign (1)

Copy number variation identified through the course of routine clinical cytogenomic testing in postnatal populations, with clinical assertions as classified by the original submitter. For data from the original published study, Kaminsky, et al. 2011 (PubMed 21844811), please see nstd101.

GRCh38/hg38 3p12.2(chr3:80367579-80994156)x3

Genes: LINC02027 (long intergenic non-protein coding RNA 2027; plus strand), LINC02050 (long intergenic non-protein coding RNA 2050; plus strand), LOC110121240 (VISTA enhancer hs1995; plus strand), LOC126806731 (CDK7 strongly-dependent group 2 enhancer GRCh37_chr3:80578964-80580163; plus strand). Cytogenetic location: 3p12.2.
Variant type: copy number gain.
Change: copy number 3 (three copies instead of two) of chr3:80,367,579-80,994,156 (626.6 kb, GRCh38 coordinates, 1-based), cytogenetic band 3p12.2.
Identifiers: ClinVar variation 32057 (VCV000032057.2).